The following is an entry in ClinVar:

NM_018979.4(WNK1):c.2344G>C (p.Val782Leu)

Gene: WNK1 (WNK lysine deficient protein kinase 1; plus strand). Cytogenetic location: 12p13.33.
Variant type: single nucleotide variant.
Coding change: c.2344G>C on transcript NM_018979.4 (MANE Select); coding-DNA position 2344, G replaced by C.
Protein change: p.Val782Leu; replaces valine 782 with leucine.
Molecular consequence: missense variant.
Genome position (GRCh38, 1-based): chr12:878,332, G>C. VCF-style: chr12-878332-G-C. GRCh37 (hg19) VCF-style: chr12-987498-G-C.
Other names: c.3583G>C, p.Val1195Leu (NM_001184985.2); c.2341G>C, p.Val781Leu (NM_014823.3); c.3838G>C, p.Val1280Leu (NM_213655.5); c.2344G>C (NM_018979.3); short protein forms V1280L, V1195L, V782L, V781L.
Identifiers: ClinVar variation 939641 (VCV000939641.12), dbSNP rs763491786, ClinGen allele CA6382448.

ClinVar aggregate classification (germline): Uncertain significance. Review status: criteria provided, multiple submitters, no conflicts (2 of 4 stars). 3 submissions from 3 submitters: Uncertain significance (3). Last evaluated 2026-03-05.

Conditions:
Inborn genetic diseases. Identifiers: MedGen C0950123, MeSH D030342.
Neuropathy, hereditary sensory and autonomic, type 2A (HSAN2A). Also called: MORVAN DISEASE; NEUROPATHY, CONGENITAL SENSORY; NEUROPATHY, HEREDITARY SENSORY RADICULAR, AUTOSOMAL RECESSIVE; NEUROPATHY, HEREDITARY SENSORY, TYPE IIA; NEUROPATHY, PROGRESSIVE SENSORY, OF CHILDREN; ACROOSTEOLYSIS, GIACCAI TYPE. Identifiers: Orphanet 970, MedGen C2752089, MONDO:0024309, OMIM 201300.
Pseudohypoaldosteronism type 2C (PHA2C). Also called: Pseudohypoaldosteronism Type IIC. Identifiers: Orphanet 757, Orphanet 88940, MedGen C1840391, MONDO:0013778, OMIM 614492.
WNK1-related disorder. Also called: WNK1-related condition.

Allele frequency attached by ClinVar (database versions not stated): TOPMed below 0.00001; gnomAD 0.00001; ExAC 0.00002.
gnomAD v4.1: 52 of 1,613,196 alleles (0.0032%); highest among the groups gnomAD compares: Non-Finnish European, 0.0043%; no homozygotes.

Submissions (3):

PreventionGenetics, part of Exact Sciences
Classification: Uncertain significance for WNK1-related condition. Last evaluated: 2026-03-05. Review status: criteria provided, single submitter. Criteria: ACMG Guidelines, 2015. Collection method: clinical testing. Allele origin: germline.
Comment: The WNK1 c.2344G>C variant is predicted to result in the amino acid substitution p.Val782Leu. To our knowledge, this variant has not been reported in the literature. This variant is reported in 0.0040% of alleles in individuals of African descent in gnomAD. At this time, the clinical significance of this variant is uncertain due to the absence of conclusive functional and genetic evidence.

Labcorp Genetics (formerly Invitae), Labcorp
Classification: Uncertain significance for Neuropathy, hereditary sensory and autonomic, type 2A; Pseudohypoaldosteronism type 2C. Last evaluated: 2023-06-04. Review status: criteria provided, single submitter. Criteria: Invitae Variant Classification Sherloc (09022015). Collection method: clinical testing. Allele origin: germline.
Comment: This variant has not been reported in the literature in individuals affected with WNK1-related conditions. This variant is present in population databases (rs763491786, gnomAD 0.002%). This sequence change replaces valine, which is neutral and non-polar, with leucine, which is neutral and non-polar, at codon 1280 of the WNK1 protein (p.Val1280Leu). In summary, the available evidence is currently insufficient to determine the role of this variant in disease. Therefore, it has been classified as a Variant of Uncertain Significance. Advanced modeling of protein sequence and biophysical properties (such as structural, functional, and spatial information, amino acid conservation, physicochemical variation, residue mobility, and thermodynamic stability) performed at Invitae indicates that this missense variant is not expected to disrupt WNK1 protein function. ClinVar contains an entry for this variant (Variation ID: 939641).

Ambry Genetics
Classification: Uncertain significance for Inborn genetic diseases. Last evaluated: 2020-01-08. Review status: criteria provided, single submitter. Criteria: Ambry Variant Classification Scheme 2023. Collection method: clinical testing. Allele origin: germline.
Comment: The p.V1280L variant (also known as c.3838G>C), located in coding exon 12 of the WNK1 gene, results from a G to C substitution at nucleotide position 3838. The valine at codon 1280 is replaced by leucine, an amino acid with highly similar properties. This amino acid position is well conserved in available vertebrate species. In addition, this alteration is predicted to be tolerated by in silico analysis. Since supporting evidence is limited at this time, the clinical significance of this alteration remains unclear.